The following is an entry in ClinVar:

NM_004431.5(EPHA2):c.*659T>A

Gene: EPHA2 (EPH receptor A2; minus strand). Cytogenetic location: 1p36.13.
Variant type: single nucleotide variant.
Coding change: c.*659T>A on transcript NM_004431.5 (MANE Select); 659 bases downstream of the stop codon, T replaced by A.
Molecular consequence: 3 prime UTR variant.
Genome position (GRCh38, 1-based): chr1:16,124,556, A>T on the plus strand (T>A on the coding strand, the complement: EPHA2 is on the minus strand). VCF-style: chr1-16124556-A-T. GRCh37 (hg19) VCF-style: chr1-16451051-A-T.
Other names: c.*659T>A (NM_001329090.2).
Identifiers: ClinVar variation 293393 (VCV000293393.6), dbSNP rs139754494, ClinGen allele CA10608155.

ClinVar aggregate classification (germline): Benign. Review status: criteria provided, multiple submitters, no conflicts (2 of 4 stars). 2 submissions from 2 submitters: Benign (2). Last evaluated 2018-01-13.

Conditions:
Cataract 6 multiple types. Also called: CATARACT, AGE-RELATED CORTICAL, 2; CATARACT 6, POSTERIOR POLAR; CATARACT 6, CONGENITAL TOTAL. Identifiers: Orphanet 91492, MedGen C1861825, MONDO:0007288, OMIM 116600.

Allele frequency attached by ClinVar (database versions not stated): gnomAD 0.00064 and 0.00046; TOPMed 0.00111; 1000 Genomes Project 30x 0.00234; 1000 Genomes Project 0.00260.

Submissions (2):

Illumina Laboratory Services, Illumina
Classification: Benign for Cataract 6 multiple types. Last evaluated: 2018-01-13. Review status: criteria provided, single submitter. Criteria: ICSL Variant Classification Criteria 13 December 2019. Collection method: clinical testing. Allele origin: germline.
Comment: This variant was observed in the ICSL laboratory as part of a predisposition screen in an ostensibly healthy population. It had not been previously curated by ICSL or reported in the Human Gene Mutation Database (HGMD: prior to June 1st, 2018), and was therefore a candidate for classification through an automated scoring system. Utilizing variant allele frequency, disease prevalence and penetrance estimates, and inheritance mode, an automated score was calculated to assess if this variant is too frequent to cause the disease. Based on the score and internal cut-off values, a variant classified as benign is not then subjected to further curation. The score for this variant resulted in a classification of benign for this disease.

Breakthrough Genomics
Classification: Benign. Review status: criteria provided, single submitter. Criteria: ACMG Guidelines, 2015. Collection method: not provided. Allele origin: germline. Inheritance: Autosomal dominant inheritance. Affected: yes.